The following is an entry in ClinVar:

NM_001378615.1(CC2D2A):c.2830-38G>T

Genes: CC2D2A (coiled-coil and C2 domain containing 2A; plus strand), FBXL5 (F-box and leucine rich repeat protein 5; minus strand). Cytogenetic location: 4p15.32.
Variant type: single nucleotide variant.
Coding change: c.2830-38G>T on transcript NM_001378615.1 (MANE Select); 38 bases into the intron before coding-DNA position 2830, G replaced by T.
Molecular consequence: intron variant.
Genome position (GRCh38, 1-based): chr4:15,559,127, G>T. VCF-style: chr4-15559127-G-T. GRCh37 (hg19) VCF-style: chr4-15560750-G-T.
Other names: c.2830-38G>T (NM_001080522.2); c.2683-38G>T (NM_001378617.1).
Identifiers: ClinVar variation 126235 (VCV000126235.13), dbSNP rs35309200, ClinGen allele CA150864.

ClinVar aggregate classification (germline): Benign. Review status: criteria provided, multiple submitters, no conflicts (2 of 4 stars). 6 submissions from 5 submitters: Benign (5). 1 of the submissions does not count toward it. Last evaluated 2021-07-14.

Conditions:
Meckel syndrome, type 6. Identifiers: Orphanet 564, MedGen C2676790, MONDO:0012848, OMIM 612284.
Joubert syndrome 9 (JBTS9). Identifiers: Orphanet 2318, MedGen C2676788, MONDO:0012849, OMIM 612285.

Allele frequency attached by ClinVar (database versions not stated): 1000 Genomes Project 30x 0.10946; 1000 Genomes Project 0.10962; ESP Exome Variant Server 0.12737; TOPMed 0.12740; gnomAD exomes 0.12892; ExAC 0.14407.
gnomAD v4.1: 170,796 of 1,191,750 alleles (14%); highest among the groups gnomAD compares: Non-Finnish European, 15%; 12,856 homozygotes.

Submissions (6):

Genome-Nilou Lab
Classification: Benign for Joubert syndrome 9. Last evaluated: 2021-07-14. Review status: criteria provided, single submitter. Criteria: ACMG Guidelines, 2015. Collection method: clinical testing. Allele origin: germline. Affected: no.

Genome-Nilou Lab
Classification: Benign for Meckel syndrome, type 6. Last evaluated: 2021-07-14. Review status: criteria provided, single submitter. Criteria: ACMG Guidelines, 2015. Collection method: clinical testing. Allele origin: germline. Affected: no.

GeneDx
Classification: Benign. Last evaluated: 2018-06-26. Review status: criteria provided, single submitter. Criteria: GeneDx Variant Classification Process June 2021. Collection method: clinical testing. Allele origin: germline. Affected: yes.

Breakthrough Genomics
Classification: Benign. Review status: criteria provided, single submitter. Criteria: ACMG Guidelines, 2015. Collection method: not provided. Allele origin: germline. Inheritance: Autosomal recessive inheritance. Affected: yes.

PreventionGenetics, part of Exact Sciences
Classification: Benign. Review status: criteria provided, single submitter. Criteria: ACMG Guidelines, 2015. Collection method: clinical testing. Allele origin: germline.

Genetic Services Laboratory, University of Chicago
Classification: Likely benign for AllHighlyPenetrant. Review status: no assertion criteria provided. Collection method: clinical testing. Allele origin: germline. Inheritance: Autosomal recessive inheritance. Observed: 64 variant alleles. Not counted in ClinVar's aggregate classification.
Comment: Likely benign based on allele frequency in 1000 Genomes Project or ESP global frequency and its presence in a patient with a rare or unrelated disease phenotype. NOT Sanger confirmed.